The following is an entry in ClinVar:

ClinVar aggregate classification (germline): Pathogenic. Review status: criteria provided, multiple submitters, no conflicts (2 of 4 stars). 8 submissions from 8 submitters: Pathogenic (5). 3 of the submissions do not count toward it. Last evaluated 2024-09-30.

Conditions:
Tuberous sclerosis syndrome (TSC). Also called: Tuberous Sclerosis Complex; Tuberous sclerosis. Identifiers: Orphanet 805, MedGen C0041341, MONDO:0001734.
Tuberous sclerosis 1 (TSC1). Identifiers: Orphanet 805, MedGen C1854465, MONDO:0008612, OMIM 191100.

Submissions (8):

Molecular Pathology, Peter Maccallum Cancer Centre
Classification: Pathogenic for Tuberous sclerosis 1. Last evaluated: 2024-09-30. Review status: criteria provided, single submitter. Criteria: ACMG Guidelines, 2015. Collection method: clinical testing. Allele origin: germline. Inheritance: Autosomal dominant inheritance.

Genomic Medicine Center of Excellence, King Faisal Specialist Hospital and Research Centre
Classification: Pathogenic for Tuberous sclerosis 1. Last evaluated: 2024-03-25. Review status: criteria provided, single submitter. Criteria: ACMG Guidelines, 2015. Collection method: research. Allele origin: germline.

Genome-Nilou Lab
Classification: Pathogenic for Tuberous sclerosis 1. Last evaluated: 2021-11-07. Review status: criteria provided, single submitter. Criteria: ACMG Guidelines, 2015. Collection method: clinical testing. Allele origin: germline. Affected: no.

Labcorp Genetics (formerly Invitae), Labcorp
Classification: Pathogenic for Tuberous sclerosis 1. Last evaluated: 2019-06-16. Review status: criteria provided, single submitter. Criteria: Invitae Variant Classification Sherloc (09022015). Collection method: clinical testing. Allele origin: germline.
Comment: Loss-of-function variants in TSC1 are known to be pathogenic (PMID: 10227394, 17304050). For these reasons, this variant has been classified as Pathogenic. This variant has been reported in individuals in the Leiden Open-source Variation Database (PMID: 21520333). ClinVar contains an entry for this variant (Variation ID: 48996). This variant is not present in population databases (ExAC no frequency). This sequence change creates a premature translational stop signal (p.Ser91Valfs*15) in the TSC1 gene. It is expected to result in an absent or disrupted protein product.

Athena Diagnostics
Classification: Pathogenic for Tuberous sclerosis 1. Last evaluated: 2013-10-09. Review status: criteria provided, single submitter. Criteria: Athena Diagnostics Criteria. Collection method: clinical testing. Allele origin: germline. Inheritance: Autosomal dominant inheritance.

Clinical Genetics DNA and cytogenetics Diagnostics Lab, Erasmus MC, Erasmus Medical Center
Classification: Pathogenic. Review status: no assertion criteria provided. Collection method: clinical testing. Allele origin: germline. Affected: yes. Study: VKGL Data-share Consensus. Not counted in ClinVar's aggregate classification.

Diagnostic Laboratory, Department of Genetics, University Medical Center Groningen
Classification: Pathogenic. Review status: no assertion criteria provided. Collection method: clinical testing. Allele origin: germline. Affected: yes. Study: VKGL Data-share Consensus. Not counted in ClinVar's aggregate classification.

Tuberous sclerosis database (TSC1)
No classification provided. Condition: TSC. Review status: no classification provided. Criteria: Tuberous Sclerosis Database Assertion Criteria 2015. Collection method: curation. Allele origin: germline. Affected: yes. Not counted in ClinVar's aggregate classification.

Literature cited by the submitters: PubMed 10227394 (cited by Labcorp Genetics (formerly Invitae), Labcorp); PubMed 17304050 (cited by Labcorp Genetics (formerly Invitae), Labcorp and Athena Diagnostics); PubMed 21520333 (cited by Labcorp Genetics (formerly Invitae), Labcorp).

NM_000368.5(TSC1):c.271_272del (p.Ser91fs)

Gene: TSC1 (TSC complex subunit 1; minus strand). Cytogenetic location: 9q34.13.
Variant type: Microsatellite.
Coding change: c.271_272del on transcript NM_000368.5 (MANE Select); coding-DNA positions 271 to 272, 2 bases deleted (TC; older notation c.271_272delTC).
Protein change: p.Ser91fs; shifts the reading frame from serine 91.
Molecular consequence: frameshift variant. On other transcripts: 5 prime UTR variant (1), intron variant (1).
Genome position (GRCh38, 1-based): chr9:132,925,678-132,925,679, GA deleted on the plus strand (TC on the coding strand, the reverse complement: TSC1 is on the minus strand); deleting any 2 consecutive bases within chr9:132,925,678-132,925,682 gives the same sequence; the c. name uses the placement nearest the transcript's 3' end. VCF-style (leftmost placement, unchanged base first): chr9-132925677-CGA-C. GRCh37 (hg19) VCF-style: chr9-135801064-CGA-C.
Other names: c.271_272del, p.Ser91fs (NM_001162426.2); c.-95TC[1] (NM_001362177.2); c.210+1522_210+1523del (NM_001162427.2); c.271_272del (NM_000368.4); c.271_272delTC (NM_000368.4); short protein forms S91fs.
Identifiers: ClinVar variation 48996 (VCV000048996.15), dbSNP rs118203360, ClinGen allele CA006921.